The following is an entry in ClinVar:

ClinVar aggregate classification (germline): Uncertain significance. Review status: criteria provided, multiple submitters, no conflicts (2 of 4 stars). 2 submissions from 2 submitters: Uncertain significance (2). Last evaluated 2025-08-28.

Conditions:
Inborn genetic diseases. Identifiers: MedGen C0950123, MeSH D030342.

Allele frequency attached by ClinVar (database versions not stated): 1000 Genomes Project 30x 0.00031; ESP Exome Variant Server 0.00032; 1000 Genomes Project 0.00040.

Submissions (2):

Ambry Genetics
Classification: Uncertain significance for Inborn genetic diseases. Last evaluated: 2025-08-28. Review status: criteria provided, single submitter. Criteria: Ambry Variant Classification Scheme 2023. Collection method: clinical testing. Allele origin: germline.

Labcorp Genetics (formerly Invitae), Labcorp
Classification: Uncertain significance. Last evaluated: 2022-07-13. Review status: criteria provided, single submitter. Criteria: Invitae Variant Classification Sherloc (09022015). Collection method: clinical testing. Allele origin: germline.
Comment: This sequence change replaces threonine, which is neutral and polar, with methionine, which is neutral and non-polar, at codon 351 of the RIN2 protein (p.Thr351Met). This variant is present in population databases (rs369006734, gnomAD 0.1%). This variant has not been reported in the literature in individuals affected with RIN2-related conditions. Algorithms developed to predict the effect of missense changes on protein structure and function are either unavailable or do not agree on the potential impact of this missense change (SIFT: "Tolerated"; PolyPhen-2: "Not Available"; Align-GVGD: "Class C0"). In summary, the available evidence is currently insufficient to determine the role of this variant in disease. Therefore, it has been classified as a Variant of Uncertain Significance.

NM_018993.4(RIN2):c.1052C>T (p.Thr351Met)

Gene: RIN2 (Ras and Rab interactor 2; plus strand). Cytogenetic location: 20p11.23.
Variant type: single nucleotide variant.
Coding change: c.1052C>T on transcript NM_018993.4 (MANE Select); coding-DNA position 1052, C replaced by T.
Protein change: p.Thr351Met; replaces threonine 351 with methionine.
Molecular consequence: missense variant.
Genome position (GRCh38, 1-based): chr20:19,975,077, C>T. VCF-style: chr20-19975077-C-T. GRCh37 (hg19) VCF-style: chr20-19955721-C-T.
Other names: c.1052C>T (NM_018993.3); c.1199C>T, p.Thr400Met (NM_001242581.2); c.434C>T, p.Thr145Met (NM_001378238.1); short protein forms T351M, T400M, T145M.
Identifiers: ClinVar variation 2043935 (VCV002043935.2), dbSNP rs369006734, ClinGen allele CA9780005.
Genomic context (GRCh38, chr20:19,975,077, plus strand): 5'-AGACGAGCATGCCAGAAACAGTCAACCATAACAAACATGGGAACGTAGCTCTGCCTGGAA[C>T]GAAACCAACTCCCATCCCTCCACCCCGGCTGAAGAAGCAGGCTTCTTTTCTGGAAGCAGA-3'
Protein context (NP_061866.1, residues 341-361): NKHGNVALPG[Thr351Met]KPTPIPPPRL